The following is an entry in ClinVar:

NM_000080.4(CHRNE):c.1070C>T (p.Pro357Leu)

Genes: CHRNE (cholinergic receptor nicotinic epsilon subunit; minus strand), LOC130060041 (ATAC-STARR-seq lymphoblastoid silent region 8050; plus strand). Cytogenetic location: 17p13.2.
Variant type: single nucleotide variant.
Coding change: c.1070C>T on transcript NM_000080.4 (MANE Select); coding-DNA position 1070, C replaced by T.
Protein change: p.Pro357Leu; replaces proline 357 with leucine.
Molecular consequence: missense variant.
Genome position (GRCh38, 1-based): chr17:4,899,347, G>A on the plus strand (C>T on the coding strand, the complement: CHRNE is on the minus strand). VCF-style: chr17-4899347-G-A. GRCh37 (hg19) VCF-style: chr17-4802642-G-A.
Other names: c.1070C>T, p.Pro357Leu (LRG_1254t1); short protein forms P357L.
Identifiers: ClinVar variation 652467 (VCV000652467.10), dbSNP rs1026988403, ClinGen allele CA287180353.
Genomic context (GRCh38, chr17:4,899,347, plus strand): 5'-AAGCCCACCGACGACGCCCGCCTTGGGGGCGAGGCGGCCCGGGGGGCCTCGGGCGGCGGC[G>A]GGGAGCCCAGGAGGCGCGGCAGCAGCTCCAGGAGAACCTGGGGCAGGGGCGGGGCTTAGG-3'
Protein context (NP_000071.1, residues 347-367): LELLPRLLGS[Pro357Leu]PPPEAPRAAS

ClinVar aggregate classification (germline): Uncertain significance. Review status: criteria provided, multiple submitters, no conflicts (2 of 4 stars). 3 submissions from 3 submitters: Uncertain significance (2). 1 of the submissions does not count toward it. Last evaluated 2024-10-06.

Conditions:
Congenital myasthenic syndrome (CMS). Also called: Congenital Myasthenic Syndromes. Identifiers: Orphanet 590, MedGen C0751882, MeSH D020294, MONDO:0018940.
Congenital myasthenic syndrome 4A. Also called: Myasthenic syndrome, congenital, 4a, slow-channel; CONGENITAL MYASTHENIC SYNDROME TYPE Ia1; MYASTHENIC SYNDROME, CONGENITAL, 4A, SLOW-CHANNEL, AUTOSOMAL RECESSIVE. Identifiers: Orphanet 590, MedGen C4225413, MONDO:0011600, OMIM 605809.

Allele frequency attached by ClinVar (database versions not stated): TOPMed below 0.00001.
gnomAD v4.1: 12 of 1,542,660 alleles (0.00078%); highest among the groups gnomAD compares: Non-Finnish European, 0.00096%; no homozygotes.

Submissions (3):

Labcorp Genetics (formerly Invitae), Labcorp
Classification: Uncertain significance for Congenital myasthenic syndrome 4A. Last evaluated: 2024-10-06. Review status: criteria provided, single submitter. Criteria: Invitae Variant Classification Sherloc (09022015). Collection method: clinical testing. Allele origin: germline.
Comment: This sequence change replaces proline, which is neutral and non-polar, with leucine, which is neutral and non-polar, at codon 357 of the CHRNE protein (p.Pro357Leu). The frequency data for this variant in the population databases is considered unreliable, as metrics indicate poor data quality at this position in the gnomAD database. This variant has not been reported in the literature in individuals affected with CHRNE-related conditions. ClinVar contains an entry for this variant (Variation ID: 652467). Invitae Evidence Modeling of protein sequence and biophysical properties (such as structural, functional, and spatial information, amino acid conservation, physicochemical variation, residue mobility, and thermodynamic stability) indicates that this missense variant is not expected to disrupt CHRNE protein function with a negative predictive value of 95%. In summary, the available evidence is currently insufficient to determine the role of this variant in disease. Therefore, it has been classified as a Variant of Uncertain Significance.

GeneDx
Classification: Uncertain significance. Last evaluated: 2019-08-02. Review status: criteria provided, single submitter. Criteria: GeneDx Variant Classification Process June 2021. Collection method: clinical testing. Allele origin: germline. Affected: yes.
Comment: Not observed at a significant frequency in large population cohorts (Lek et al., 2016); In silico analysis, which includes protein predictors and evolutionary conservation, supports that this variant does not alter protein structure/function; Has not been previously published as pathogenic or benign to our knowledge

Natera, Inc.
Classification: Uncertain significance for Congenital myasthenic syndrome. Last evaluated: 2020-03-11. Review status: no assertion criteria provided. Collection method: clinical testing. Allele origin: germline. Not counted in ClinVar's aggregate classification.